The following is an entry in ClinVar:

NM_001868.4(CPA1):c.607G>A (p.Asp203Asn)

Gene: CPA1 (carboxypeptidase A1; plus strand). Cytogenetic location: 7q32.2.
Variant type: single nucleotide variant.
Coding change: c.607G>A on transcript NM_001868.4 (MANE Select); coding-DNA position 607, G replaced by A.
Protein change: p.Asp203Asn; replaces aspartic acid 203 with asparagine.
Molecular consequence: missense variant.
Genome position (GRCh38, 1-based): chr7:130,383,705, G>A. VCF-style: chr7-130383705-G-A. GRCh37 (hg19) VCF-style: chr7-130023546-G-A.
Other names: short protein forms D203N.
Identifiers: ClinVar variation 1473677 (VCV001473677.9), dbSNP rs782589138, ClinGen allele CA4484873.
Genomic context (GRCh38, chr7:130,383,705, plus strand): 5'-CCCAGCCTGCGCTGCCCCTCTGCTCCTCTAACCCCCCAGATCACTCAAGACTACGGGCAG[G>A]ATGCAGCTTTCACCGCCATTCTCGACACCTTGGACATCTTCCTGGAGATCGTCACCAACC-3'
Protein context (NP_001859.1, residues 193-213): AKKITQDYGQ[Asp203Asn]AAFTAILDTL

ClinVar aggregate classification (germline): Uncertain significance. Review status: criteria provided, multiple submitters, no conflicts (2 of 4 stars). 2 submissions from 2 submitters: Uncertain significance (2). Last evaluated 2025-05-26.

Conditions:
Hereditary pancreatitis (PCTT). Also called: Hereditary chronic pancreatitis; PRSS1-Related Hereditary Pancreatitis. Identifiers: Orphanet 676, MedGen C0238339, MONDO:0008185, OMIM 167800.

Allele frequency attached by ClinVar (database versions not stated): gnomAD exomes below 0.00001 and 0.00001; ExAC 0.00001; gnomAD 0.00001.

Submissions (2):

Ambry Genetics
Classification: Uncertain significance for Hereditary pancreatitis. Last evaluated: 2025-05-26. Review status: criteria provided, single submitter. Criteria: Ambry Variant Classification Scheme 2023. Collection method: clinical testing. Allele origin: germline.
Comment: The p.D203N variant (also known as c.607G>A), located in coding exon 6 of the CPA1 gene, results from a G to A substitution at nucleotide position 607. The aspartic acid at codon 203 is replaced by asparagine, an amino acid with highly similar properties. This amino acid position is conserved. In addition, this alteration is predicted to be tolerated by in silico analysis. Since supporting evidence is limited at this time, the clinical significance of this alteration remains unclear.

Labcorp Genetics (formerly Invitae), Labcorp
Classification: Uncertain significance. Last evaluated: 2021-10-16. Review status: criteria provided, single submitter. Criteria: Invitae Variant Classification Sherloc (09022015). Collection method: clinical testing. Allele origin: germline.
Comment: This variant has not been reported in the literature in individuals affected with CPA1-related conditions. In summary, the available evidence is currently insufficient to determine the role of this variant in disease. Therefore, it has been classified as a Variant of Uncertain Significance. Algorithms developed to predict the effect of missense changes on protein structure and function output the following: SIFT: "Tolerated"; PolyPhen-2: "Benign"; Align-GVGD: "Class C0". The asparagine amino acid residue is found in multiple mammalian species, which suggests that this missense change does not adversely affect protein function. This variant is present in population databases (rs782589138, ExAC 0.006%). This sequence change replaces aspartic acid with asparagine at codon 203 of the CPA1 protein (p.Asp203Asn). The aspartic acid residue is highly conserved and there is a small physicochemical difference between aspartic acid and asparagine.